The following is an entry in ClinVar:

ClinVar aggregate classification (germline): Uncertain significance (1 of 4 stars; one submission).

Conditions:
ADAMTSL2-related disorder. Also called: ADAMTSL2-related condition.

gnomAD v4.1: 418 of 1,613,040 alleles (0.026%); highest among the groups gnomAD compares: Admixed American, 0.1%; no homozygotes.

Submission:

PreventionGenetics, part of Exact Sciences
Classification: Uncertain significance for ADAMTSL2-related condition. Last evaluated: 2026-05-28. Review status: criteria provided, single submitter. Criteria: ACMG Guidelines, 2015. Collection method: clinical testing. Allele origin: germline.
Comment: The ADAMTSL2 c.1285G>A variant is predicted to result in the amino acid substitution p.Val429Ile. To our knowledge, this variant has not been reported in the literature or in a large population database (gnomAD), indicating this variant is rare. At this time, the clinical significance of this variant is uncertain due to the absence of conclusive functional and genetic evidence.

NM_014694.4(ADAMTSL2):c.1285G>A (p.Val429Ile)

Gene: ADAMTSL2 (ADAMTS like 2; plus strand). Cytogenetic location: 9q34.2.
Variant type: single nucleotide variant.
Coding change: c.1285G>A on transcript NM_014694.4 (MANE Select); coding-DNA position 1285, G replaced by A.
Protein change: p.Val429Ile; replaces valine 429 with isoleucine.
Molecular consequence: missense variant.
Genome position (GRCh38, 1-based): chr9:133,555,566, G>A. VCF-style: chr9-133555566-G-A. GRCh37 (hg19) VCF-style: chr9-136420688-G-A.
Other names: c.1285G>A, p.Val429Ile (NM_001145320.2); short protein forms V429I.
Identifiers: ClinVar variation 4981411 (VCV004981411.1).